The following is an entry in ClinVar:

ClinVar aggregate classification (germline): Conflicting classifications of pathogenicity. Review status: criteria provided, conflicting classifications (1 of 4 stars). 11 submissions from 11 submitters: Likely pathogenic (4); Uncertain significance (7). Last evaluated 2026-04-08.

Conditions:
Autosomal recessive nonsyndromic hearing loss 84B. Also called: Deafness, autosomal recessive 84b. Identifiers: Orphanet 90636, MedGen C3554159, MONDO:0013984, OMIM 614944.
OTOGL-related disorder. Also called: OTOGL-related condition.
Nonsyndromic genetic hearing loss. Also called: Nonsyndromic hearing loss and deafness; Non-syndromic genetic deafness; Nonsyndromic genetic deafness. Identifiers: Orphanet 87884, MedGen C5680182, MONDO:0019497.

Allele frequency attached by ClinVar (database versions not stated): gnomAD 0.00008 and 0.00009; gnomAD exomes 0.00012 and 0.00016; ExAC 0.00014; TOPMed 0.00018.
gnomAD v4.1: 178 of 1,541,898 alleles (0.012%); highest among the groups gnomAD compares: Middle Eastern, 0.12%; no homozygotes.

Submissions (11):

PreventionGenetics, part of Exact Sciences
Classification: Uncertain significance for OTOGL-related condition. Last evaluated: 2026-04-08. Review status: criteria provided, single submitter. Criteria: ACMG Guidelines, 2015. Collection method: clinical testing. Allele origin: germline.
Comment: The OTOGL c.209-2A>G variant is predicted to disrupt the AG splice acceptor site and interfere with normal splicing. To our knowledge, this variant has not been reported in the literature. This variant is reported in 0.10% of alleles in individuals of Ashkenazi Jewish descent in gnomAD, which may be higher than expected for causative undocumented variant. Variants that disrupt the consensus splice acceptor site in OTOGL are expected to be pathogenic. However, skipping of exon 5 is predicted to result in an in-frame deletion rather than premature protein termination. Although we suspect that this variant may be pathogenic, at this time, the clinical significance of this variant is uncertain due to the absence of conclusive functional and genetic evidence.

CeGaT Center for Human Genetics Tuebingen
Classification: Uncertain significance. Last evaluated: 2026-02-01. Review status: criteria provided, single submitter. Criteria: CeGaT Center For Human Genetics Tuebingen Variant Classification Criteria Version 2. Collection method: clinical testing. Allele origin: germline. Affected: yes. Observed: 1 variant allele.
Comment: OTOGL: PM2, PVS1:Moderate

Labcorp Genetics (formerly Invitae), Labcorp
Classification: Likely pathogenic. Last evaluated: 2026-01-01. Review status: criteria provided, single submitter. Criteria: Invitae Variant Classification Sherloc (09022015). Collection method: clinical testing. Allele origin: germline.
Comment: This sequence change affects an acceptor splice site in intron 4 of the OTOGL gene. It is expected to disrupt RNA splicing. Variants that disrupt the donor or acceptor splice site typically lead to a loss of protein function (PMID: 16199547), and loss-of-function variants in OTOGL are known to be pathogenic (PMID: 23122586). The frequency data for this variant in the population databases is considered unreliable, as metrics indicate poor data quality at this position in the gnomAD database. This variant has not been reported in the literature in individuals affected with OTOGL-related conditions. ClinVar contains an entry for this variant (Variation ID: 667305). Algorithms developed to predict the effect of sequence changes on RNA splicing suggest that this variant may disrupt the consensus splice site. In summary, the currently available evidence indicates that the variant is pathogenic, but additional data are needed to prove that conclusively. Therefore, this variant has been classified as Likely Pathogenic.

First Genomix Gene Laboratory, Genetic Diagnostics Department
Classification: Likely pathogenic for Autosomal recessive nonsyndromic hearing loss 84B. Last evaluated: 2025-01-16. Review status: criteria provided, single submitter. Criteria: ACMG Guidelines, 2015. Collection method: clinical testing. Allele origin: germline. Inheritance: Autosomal recessive inheritance. Affected: no. Observed: 1 variant allele.

Blueprint Genetics
Classification: Uncertain significance. Last evaluated: 2024-09-10. Review status: criteria provided, single submitter. Criteria: ACMG Guidelines, 2015. Collection method: clinical testing. Allele origin: germline.

GeneDx
Classification: Uncertain significance. Last evaluated: 2024-03-27. Review status: criteria provided, single submitter. Criteria: GeneDx Variant Classification Process June 2021. Collection method: clinical testing. Allele origin: germline. Affected: yes.
Comment: Canonical splice site variant predicted to result in an in-frame loss of the adjacent exon in a gene for which loss of function is a known mechanism of disease; Has not been previously published as pathogenic or benign to our knowledge

Revvity Omics, Revvity
Classification: Likely pathogenic for Autosomal recessive nonsyndromic hearing loss 84B. Last evaluated: 2022-06-29. Review status: criteria provided, single submitter. Criteria: ACMG Guidelines, 2015. Collection method: clinical testing. Allele origin: germline.

MGZ Medical Genetics Center
Classification: Likely pathogenic for Autosomal recessive nonsyndromic hearing loss 84B. Last evaluated: 2022-06-20. Review status: criteria provided, single submitter. Criteria: ACMG Guidelines, 2015. Collection method: clinical testing. Allele origin: germline. Affected: yes. Observed: 1 variant allele.
Comment: ACMG criteria applied: PVS1, PM2_SUP

Fulgent Genetics
Classification: Uncertain significance for Autosomal recessive nonsyndromic hearing loss 84B. Last evaluated: 2022-01-18. Review status: criteria provided, single submitter. Criteria: ACMG Guidelines, 2015. Collection method: clinical testing. Allele origin: unknown.

Department of Pathology and Laboratory Medicine, Sinai Health System
Classification: Uncertain significance for nonsyndromic genetic hearing loss. Last evaluated: 2021-09-11. Review status: criteria provided, single submitter. Criteria: ACMG Guidelines, 2015. Collection method: research. Allele origin: germline.

Laboratory for Molecular Medicine, Mass General Brigham Personalized Medicine
Classification: Uncertain significance. Last evaluated: 2019-02-13. Review status: criteria provided, single submitter. Criteria: LMM Criteria. Collection method: clinical testing. Allele origin: germline. Observed: 2 variant alleles.
Comment: Variant classified as Uncertain Significance - Favor Pathogenic. The c.209-2A>G variant in OTOGL has not been previously reported in individuals with hearing loss but has been identified in 0.1% (10/9830) of Ashkenazi Jewish chromosomes by gnomAD. This variant occurs within the canonical splice site (+/- 1,2) and is predicted to cause altered splicing; however, it is unknown whether this variant would result in use of a cryptic splice site or skipping of exon 5. Furthermore, exon 5 is in-frame and it is unknown whether skipping of this exon would lead to an abnormal or absent protein. In summary, while there is some suspicion for a pathogenic role, the clinical significance of the c.209-2A>G variant is uncertain. ACMG/AMP criteria applied: PVS1_Moderate, BS1_Supporting.

Literature cited by the submitters: PubMed 16199547 (cited by Labcorp Genetics (formerly Invitae), Labcorp); PubMed 23122586 (cited by Labcorp Genetics (formerly Invitae), Labcorp).

NM_001378609.3(OTOGL):c.236-2A>G

Gene: OTOGL (otogelin like; plus strand). Cytogenetic location: 12q21.31.
Variant type: single nucleotide variant.
Coding change: c.236-2A>G on transcript NM_001378609.3 (MANE Select); the canonical splice acceptor site of the intron before coding-DNA position 236, A replaced by G.
Molecular consequence: splice acceptor variant.
Genome position (GRCh38, 1-based): chr12:80,219,812, A>G. VCF-style: chr12-80219812-A-G. GRCh37 (hg19) VCF-style: chr12-80613592-A-G.
Other names: c.236-2A>G (NM_001368062.3, NM_001378610.3, NM_173591.7).
Identifiers: ClinVar variation 667305 (VCV000667305.23), dbSNP rs766564988, ClinGen allele CA6700117.
Genomic context (GRCh38, chr12:80,219,812, plus strand): 5'-TATTATGCTTAAAAGAACAAATGGATGCCAGAAGATAACTTTTTTTTTTTTTTCCCCCTC[A>G]GGTTCTTGTCCTTATGAATGCCTTAATGGAGCTTTCTGTTCTAAGACTGGAACATGTGAC-3'